The following is an entry in ClinVar:

NM_001148.6(ANK2):c.1093T>A (p.Tyr365Asn)

Gene: ANK2 (ankyrin 2; plus strand). Cytogenetic location: 4q26.
Variant type: single nucleotide variant.
Coding change: c.1093T>A on transcript NM_001148.6 (MANE Select); coding-DNA position 1093, T replaced by A.
Protein change: p.Tyr365Asn; replaces tyrosine 365 with asparagine.
Molecular consequence: missense variant.
Genome position (GRCh38, 1-based): chr4:113,255,837, T>A. VCF-style: chr4-113255837-T-A. GRCh37 (hg19) VCF-style: chr4-114176993-T-A.
Other names: c.1030T>A, p.Tyr344Asn (NM_001127493.3, NM_001354239.2, NM_001354243.2 and 14 more transcripts); c.1093T>A, p.Tyr365Asn (NM_001354225.2, NM_001354228.2, NM_001354232.2 and 9 more transcripts); c.1138T>A, p.Tyr380Asn (NM_001354230.2, NM_001354231.2, NM_001354237.2 and 5 more transcripts); c.1006T>A, p.Tyr336Asn (NM_001354249.2, NM_001354260.2, NM_001354264.2 and 16 more transcripts); c.1051T>A, p.Tyr351Asn (NM_001354261.2, NM_001386147.1, NM_001386160.1); c.1081T>A, p.Tyr361Asn (NM_001354269.3, NM_001386148.2, NM_001386186.2); c.1144T>A, p.Tyr382Asn (NM_001386174.1); c.1120T>A, p.Tyr374Asn (NM_001386175.1); and 1 more; short protein forms Y336N, Y365N, Y344N, Y351N, Y361N, Y380N, Y353N, Y374N.
Identifiers: ClinVar variation 964021 (VCV000964021.6), dbSNP rs2049012279, ClinGen allele CA357926657.

ClinVar aggregate classification (germline): Uncertain significance (1 of 4 stars; one submission).

Conditions:
Long QT syndrome (LQTS). Identifiers: MedGen C0023976, MeSH D008133, MONDO:0002442. Disease mechanism: loss of function. Inheritance: Various modes of inheritance.

Submission:

Labcorp Genetics (formerly Invitae), Labcorp
Classification: Uncertain significance for Long QT syndrome. Last evaluated: 2024-01-17. Review status: criteria provided, single submitter. Criteria: Invitae Variant Classification Sherloc (09022015). Collection method: clinical testing. Allele origin: germline.
Comment: This sequence change replaces tyrosine, which is neutral and polar, with asparagine, which is neutral and polar, at codon 365 of the ANK2 protein (p.Tyr365Asn). This variant is not present in population databases (gnomAD no frequency). This variant has not been reported in the literature in individuals affected with ANK2-related conditions. ClinVar contains an entry for this variant (Variation ID: 964021). Advanced modeling of protein sequence and biophysical properties (such as structural, functional, and spatial information, amino acid conservation, physicochemical variation, residue mobility, and thermodynamic stability) performed at Invitae indicates that this missense variant is not expected to disrupt ANK2 protein function with a negative predictive value of 80%. In summary, the available evidence is currently insufficient to determine the role of this variant in disease. Therefore, it has been classified as a Variant of Uncertain Significance.